The following is an entry in ClinVar:

NM_001433705.1(NLRP5):c.2463-24G>A

Gene: NLRP5 (NLR family pyrin domain containing 5; plus strand). Cytogenetic location: 19q13.43.
Variant type: single nucleotide variant.
Coding change: c.2463-24G>A on transcript NM_001433705.1 (MANE Select); 24 bases into the intron before coding-DNA position 2463, G replaced by A.
Molecular consequence: intron variant.
Genome position (GRCh38, 1-based): chr19:56,038,001, G>A. VCF-style: chr19-56038001-G-A. GRCh37 (hg19) VCF-style: chr19-56549367-G-A.
Other names: NM_153447.4:c.2616-24G>A.
Identifiers: ClinVar variation 103286 (VCV000103286.2), dbSNP rs199475781, ClinGen allele CA230370.
Genomic context (GRCh38, chr19:56,038,001, plus strand): 5'-GCGCTGCTGGCGTGTGCTGAGTAGAGGGGAAATGGGCTGCTTTGGACAAGAGCTGGGATT[G>A]CTTCATGCTGCCTGTCTCTGCAGGCTGGATTGCTGTGGATTGACCCATGCCTGTTACCTG-3'

ClinVar aggregate classification (germline): not provided (0 of 4 stars; one submission).

Allele frequency attached by ClinVar (database versions not stated): gnomAD exomes 0.00096 and 0.00036; 1000 Genomes Project 30x 0.00344; gnomAD 0.00367 and 0.00394; ExAC 0.00106; ESP Exome Variant Server 0.00369; TOPMed 0.00434; 1000 Genomes Project 0.00300.
gnomAD v4.1: 1,104 of 1,613,024 alleles (0.068%); highest among the groups gnomAD compares: African/African-American, 1.3%; 9 homozygotes.

Submission:

Human Evolutionary Genetics, Institut Pasteur
No classification provided. Review status: no classification provided. Collection method: not provided. Allele origin: germline.
ClinVar note: Converted during submission from untested to not provided.